The following is an entry in ClinVar:

ClinVar aggregate classification (germline): Likely benign. Review status: criteria provided, multiple submitters, no conflicts (2 of 4 stars). 2 submissions from 2 submitters: Likely benign (2). Last evaluated 2025-09-01.

Conditions:
Megaconial type congenital muscular dystrophy (MDCMC). Also called: MUSCULAR DYSTROPHY, CONGENITAL, WITH MITOCHONDRIAL STRUCTURAL ABNORMALITIES; CHKB-Related Muscular Dystrophy; CHKB-Related Muscle Diseases. Identifiers: Orphanet 280671, MedGen C1865233, MONDO:0011246, OMIM 602541.

Submissions (2):

CeGaT Center for Human Genetics Tuebingen
Classification: Likely benign. Last evaluated: 2025-09-01. Review status: criteria provided, single submitter. Criteria: CeGaT Center For Human Genetics Tuebingen Variant Classification Criteria Version 2. Collection method: clinical testing. Allele origin: germline. Affected: yes. Observed: 1 variant allele.
Comment: CHKB: PM2:Supporting, BP4, BP7

Labcorp Genetics (formerly Invitae), Labcorp
Classification: Likely benign for Muscular dystrophy, congenital, megaconial type. Last evaluated: 2019-12-31. Review status: criteria provided, single submitter. Criteria: Invitae Variant Classification Sherloc (09022015). Collection method: clinical testing. Allele origin: germline.

NM_005198.5(CHKB):c.516G>T (p.Ala172=)

Genes: CHKB (choline kinase beta; minus strand), CHKB-CPT1B (CHKB-CPT1B readthrough (NMD candidate); minus strand). Cytogenetic location: 22q13.33.
Variant type: single nucleotide variant.
Coding change: c.516G>T on transcript NM_005198.5 (MANE Select); coding-DNA position 516, G replaced by T.
Protein change: p.Ala172=; no amino-acid change (alanine 172 retained).
Molecular consequence: synonymous variant. On other transcripts: non-coding transcript variant (1).
Genome position (GRCh38, 1-based): chr22:50,581,485, C>A on the plus strand (G>T on the coding strand, the complement: CHKB is on the minus strand). VCF-style: chr22-50581485-C-A. GRCh37 (hg19) VCF-style: chr22-51019914-C-A.
Identifiers: ClinVar variation 761208 (VCV000761208.11), dbSNP rs200220080, ClinGen allele CA515274245.